The following is an entry in ClinVar:

NM_001457.4(FLNB):c.265C>T (p.Arg89Cys)

Gene: FLNB (filamin B; plus strand). Cytogenetic location: 3p14.3.
Variant type: single nucleotide variant.
Coding change: c.265C>T on transcript NM_001457.4 (MANE Select); coding-DNA position 265, C replaced by T.
Protein change: p.Arg89Cys; replaces arginine 89 with cysteine.
Molecular consequence: missense variant.
Genome position (GRCh38, 1-based): chr3:58,008,829, C>T. VCF-style: chr3-58008829-C-T. GRCh37 (hg19) VCF-style: chr3-57994556-C-T.
Other names: c.265C>T, p.Arg89Cys (NM_001164317.2, NM_001164318.2, NM_001164319.2); short protein forms R89C.
Identifiers: ClinVar variation 2957270 (VCV002957270.3), dbSNP rs755518501, ClinGen allele CA2467480.

ClinVar aggregate classification (germline): Uncertain significance (1 of 4 stars; one submission).

gnomAD v4.1: 10 of 1,613,846 alleles (0.00062%); highest among the groups gnomAD compares: Middle Eastern, 0.05%; no homozygotes.

Submission:

Labcorp Genetics (formerly Invitae), Labcorp
Classification: Uncertain significance. Last evaluated: 2023-04-26. Review status: criteria provided, single submitter. Criteria: Invitae Variant Classification Sherloc (09022015). Collection method: clinical testing. Allele origin: germline.
Comment: In summary, the available evidence is currently insufficient to determine the role of this variant in disease. Therefore, it has been classified as a Variant of Uncertain Significance. Advanced modeling of protein sequence and biophysical properties (such as structural, functional, and spatial information, amino acid conservation, physicochemical variation, residue mobility, and thermodynamic stability) performed at Invitae indicates that this missense variant is not expected to disrupt FLNB protein function. This variant has not been reported in the literature in individuals affected with FLNB-related conditions. This variant is present in population databases (rs755518501, gnomAD 0.009%). This sequence change replaces arginine, which is basic and polar, with cysteine, which is neutral and slightly polar, at codon 89 of the FLNB protein (p.Arg89Cys).